The following is an entry in ClinVar:

NM_001374259.2(IL12RB2):c.188C>T (p.Ser63Phe)

Gene: IL12RB2 (interleukin 12 receptor subunit beta 2; plus strand). Cytogenetic location: 1p31.3.
Variant type: single nucleotide variant.
Coding change: c.188C>T on transcript NM_001374259.2 (MANE Select); coding-DNA position 188, C replaced by T.
Protein change: p.Ser63Phe; replaces serine 63 with phenylalanine.
Molecular consequence: missense variant. On other transcripts: non-coding transcript variant (2).
Genome position (GRCh38, 1-based): chr1:67,321,713, C>T. VCF-style: chr1-67321713-C-T. GRCh37 (hg19) VCF-style: chr1-67787396-C-T.
Other names: c.188C>T, p.Ser63Phe (NM_001258214.1, NM_001258215.1, NM_001258216.1 and 2 more transcripts); c.188C>T (NM_001559.2); short protein forms S63F.
Identifiers: ClinVar variation 1433400 (VCV001433400.9), dbSNP rs149868445, ClinGen allele CA900137.

ClinVar aggregate classification (germline): Uncertain significance. Review status: criteria provided, multiple submitters, no conflicts (2 of 4 stars). 2 submissions from 2 submitters: Uncertain significance (2). Last evaluated 2025-02-23.

Allele frequency attached by ClinVar (database versions not stated): gnomAD exomes 0.00002; ExAC 0.00003; gnomAD 0.00003 and 0.00004; TOPMed 0.00004; ESP Exome Variant Server 0.00008.

Submissions (2):

Ambry Genetics
Classification: Uncertain significance. Last evaluated: 2025-02-23. Review status: criteria provided, single submitter. Criteria: Ambry Variant Classification Scheme 2023. Collection method: clinical testing. Allele origin: germline.

Labcorp Genetics (formerly Invitae), Labcorp
Classification: Uncertain significance. Last evaluated: 2023-11-03. Review status: criteria provided, single submitter. Criteria: Invitae Variant Classification Sherloc (09022015). Collection method: clinical testing. Allele origin: germline.
Comment: This sequence change replaces serine, which is neutral and polar, with phenylalanine, which is neutral and non-polar, at codon 63 of the IL12RB2 protein (p.Ser63Phe). This variant is present in population databases (rs149868445, gnomAD 0.006%). This variant has not been reported in the literature in individuals affected with IL12RB2-related conditions. ClinVar contains an entry for this variant (Variation ID: 1433400). An algorithm developed to predict the effect of missense changes on protein structure and function (PolyPhen-2) suggests that this variant is likely to be disruptive. In summary, the available evidence is currently insufficient to determine the role of this variant in disease. Therefore, it has been classified as a Variant of Uncertain Significance.